The following is an entry in ClinVar:

NM_000460.4(THPO):c.*18G>A

Gene: THPO (thrombopoietin; minus strand). Cytogenetic location: 3q27.1.
Variant type: single nucleotide variant.
Coding change: c.*18G>A on transcript NM_000460.4 (MANE Select); 18 bases downstream of the stop codon, G replaced by A.
Molecular consequence: 3 prime UTR variant.
Genome position (GRCh38, 1-based): chr3:184,372,495, C>T on the plus strand (G>A on the coding strand, the complement: THPO is on the minus strand). VCF-style: chr3-184372495-C-T. GRCh37 (hg19) VCF-style: chr3-184090283-C-T.
Other names: c.*18G>A (LRG_580t1, NM_001177597.2, NM_001289998.1 and 3 more transcripts); c.*103G>A (NM_001177598.2, NM_001289997.1, NM_001290026.1 and 1 more transcripts).
Identifiers: ClinVar variation 286872 (VCV000286872.10), dbSNP rs180680111, ClinGen allele CA2734800.

ClinVar aggregate classification (germline): Conflicting classifications of pathogenicity. Review status: criteria provided, conflicting classifications (1 of 4 stars). 3 submissions from 3 submitters: Uncertain significance (1); Likely benign (2). Last evaluated 2024-11-26.

Conditions:
Thrombocythemia 1 (THCYT1). Also called: THROMBOCYTOSIS 1; THROMBOCYTHEMIA, SOMATIC. Identifiers: MedGen C3277671, MONDO:0008554, OMIM 187950.

Allele frequency attached by ClinVar (database versions not stated): 1000 Genomes Project 30x 0.00031; gnomAD 0.00034; TOPMed 0.00038; gnomAD exomes 0.00048 and 0.00056; 1000 Genomes Project 0.00040; ESP Exome Variant Server 0.00046; ExAC 0.00048.
gnomAD v4.1: 875 of 1,613,878 alleles (0.054%); highest among the groups gnomAD compares: Middle Eastern, 0.35%; 2 homozygotes.

Submissions (3):

Blueprint Genetics
Classification: Likely benign. Last evaluated: 2024-11-26. Review status: criteria provided, single submitter. Criteria: ACMG Guidelines, 2015. Collection method: clinical testing. Allele origin: germline.

Illumina Laboratory Services, Illumina
Classification: Likely benign for Thrombocythemia 1. Last evaluated: 2018-01-13. Review status: criteria provided, single submitter. Criteria: ICSL Variant Classification Criteria 13 December 2019. Collection method: clinical testing. Allele origin: germline.
Comment: This variant was observed in the ICSL laboratory as part of a predisposition screen in an ostensibly healthy population. It had not been previously curated by ICSL or reported in the Human Gene Mutation Database (HGMD: prior to June 1st, 2018), and was therefore a candidate for classification through an automated scoring system. Utilizing variant allele frequency, disease prevalence and penetrance estimates, and inheritance mode, an automated score was calculated to assess if this variant is too frequent to cause the disease. Based on the score and internal cut-off values, a variant classified as likely benign is not then subjected to further curation. The score for this variant resulted in a classification of likely benign for this disease.

Eurofins Ntd Llc (ga)
Classification: Uncertain significance. Last evaluated: 2016-03-30. Review status: criteria provided, single submitter. Criteria: EGL Classification Definitions 2015. Collection method: clinical testing. Allele origin: germline. Observed: 1 variant allele, 1 heterozygote.